The following is an entry in ClinVar:

ClinVar aggregate classification (germline): Pathogenic (1 of 4 stars; one submission).

gnomAD v4.1: 1 of 1,614,190 alleles (0.000062%); highest among the groups gnomAD compares: Non-Finnish European, 0.000085%; no homozygotes.

Submission:

CeGaT Center for Human Genetics Tuebingen
Classification: Pathogenic. Last evaluated: 2025-03-01. Review status: criteria provided, single submitter. Criteria: CeGaT Center For Human Genetics Tuebingen Variant Classification Criteria Version 2. Collection method: clinical testing. Allele origin: germline. Affected: yes. Observed: 3 variant alleles.
Comment: ABHD12: PM3:Strong, PP1:Strong, PM2, PS3:Supporting

NM_001042472.3(ABHD12):c.605C>T (p.Thr202Ile)

Gene: ABHD12 (abhydrolase domain containing 12, lysophospholipase; minus strand). Cytogenetic location: 20p11.21.
Variant type: single nucleotide variant.
Coding change: c.605C>T on transcript NM_001042472.3 (MANE Select); coding-DNA position 605, C replaced by T.
Protein change: p.Thr202Ile; replaces threonine 202 with isoleucine.
Molecular consequence: missense variant.
Genome position (GRCh38, 1-based): chr20:25,314,939, G>A on the plus strand (C>T on the coding strand, the complement: ABHD12 is on the minus strand). VCF-style: chr20-25314939-G-A. GRCh37 (hg19) VCF-style: chr20-25295575-G-A.
Other names: c.605C>T, p.Thr202Ile (NM_015600.5); short protein forms T202I.
Identifiers: ClinVar variation 3389452 (VCV003389452.14).